The following is an entry in ClinVar:

NM_004168.4(SDHA):c.537G>A (p.Lys179=)

Gene: SDHA (succinate dehydrogenase complex flavoprotein subunit A; plus strand). Cytogenetic location: 5p15.33.
Variant type: single nucleotide variant.
Coding change: c.537G>A on transcript NM_004168.4 (MANE Select); coding-DNA position 537, G replaced by A.
Protein change: p.Lys179=; no amino-acid change (lysine 179 retained).
Molecular consequence: synonymous variant.
Genome position (GRCh38, 1-based): chr5:225,963, G>A. VCF-style: chr5-225963-G-A. GRCh37 (hg19) VCF-style: chr5-226078-G-A.
Other names: c.393G>A, p.Lys131= (NM_001294332.2); c.537G>A, p.Lys179= (NM_001330758.2).
Identifiers: ClinVar variation 760481 (VCV000760481.14), dbSNP rs1207914111, ClinGen allele CA442691124.
Genomic context (GRCh38, chr5:225,963, plus strand): 5'-GTTTAGCAGAACTGAAGATGGGAAGATTTATCAGCGTGCATTTGGTGGACAGAGCCTCAA[G>A]TTTGGAAAGGGCGGGCAGGCCCATCGGTGCTGCTGTGTGGCTGATCGGACTGGCCACTCG-3'
Protein context (NP_004159.2, residues 169-189): YQRAFGGQSL[Lys179=]FGKGGQAHRC

ClinVar aggregate classification (germline): Benign/Likely benign. Review status: criteria provided, multiple submitters, no conflicts (2 of 4 stars). 3 submissions from 3 submitters: Benign (1); Likely benign (2). Last evaluated 2025-04-13.

Conditions:
Pheochromocytoma/paraganglioma syndrome 5. Also called: Paragangliomas 5; SDHA-Related Hereditary Paraganglioma-Pheochromocytoma Syndrome. Identifiers: Orphanet 29072, MedGen C3279992, MONDO:0013602, OMIM 614165.
Mitochondrial complex II deficiency, nuclear type 1. Also called: SUCCINATE CoQ REDUCTASE DEFICIENCY. Identifiers: Orphanet 3208, MedGen C5700310, MONDO:0100294, OMIM 252011.
Hereditary cancer-predisposing syndrome. Also called: Tumor predisposition; Hereditary neoplastic syndrome; Neoplastic Syndromes, Hereditary; Hereditary Cancer Syndrome. Identifiers: Orphanet 140162, MedGen C0027672, MeSH D009386, MONDO:0015356.

Allele frequency attached by ClinVar (database versions not stated): gnomAD exomes below 0.00001 and 0.00001.
gnomAD v4.1: 12 of 1,614,152 alleles (0.00074%); highest among the groups gnomAD compares: Non-Finnish European, 0.001%; no homozygotes.

Submissions (3):

Labcorp Genetics (formerly Invitae), Labcorp
Classification: Likely benign for Pheochromocytoma/paraganglioma syndrome 5; Mitochondrial complex II deficiency, nuclear type 1. Last evaluated: 2025-04-13. Review status: criteria provided, single submitter. Criteria: Invitae Variant Classification Sherloc (09022015). Collection method: clinical testing. Allele origin: germline.

Myriad Genetics, Inc.
Classification: Benign for Pheochromocytoma/paraganglioma syndrome 5. Last evaluated: 2025-02-28. Review status: criteria provided, single submitter. Criteria: Myriad Autosomal Dominant, Autosomal Recessive and X-Linked Classification Criteria (2023). Collection method: clinical testing. Allele origin: unknown.
Comment: This variant is considered benign. This variant is a silent/synonymous amino acid change and it is not expected to impact splicing.

Ambry Genetics
Classification: Likely benign for Hereditary cancer-predisposing syndrome. Last evaluated: 2020-02-06. Review status: criteria provided, single submitter. Criteria: Ambry Variant Classification Scheme 2023. Collection method: clinical testing. Allele origin: germline.